The following is an entry in ClinVar:

ClinVar aggregate classification (germline): Uncertain significance (1 of 4 stars; one submission).

Allele frequency attached by ClinVar (database versions not stated): gnomAD exomes below 0.00001; ExAC 0.00001; TOPMed 0.00001.
gnomAD v4.1: 4 of 1,609,498 alleles (0.00025%); highest among the groups gnomAD compares: South Asian, 0.0044%; no homozygotes.

Submission:

Labcorp Genetics (formerly Invitae), Labcorp
Classification: Uncertain significance. Last evaluated: 2022-11-02. Review status: criteria provided, single submitter. Criteria: Invitae Variant Classification Sherloc (09022015). Collection method: clinical testing. Allele origin: germline.
Comment: In summary, the available evidence is currently insufficient to determine the role of this variant in disease. Therefore, it has been classified as a Variant of Uncertain Significance. Algorithms developed to predict the effect of missense changes on protein structure and function (SIFT, PolyPhen-2, Align-GVGD) all suggest that this variant is likely to be tolerated. This variant has not been reported in the literature in individuals affected with SLC25A32-related conditions. This variant is present in population databases (rs753070252, gnomAD 0.007%). This sequence change replaces proline, which is neutral and non-polar, with arginine, which is basic and polar, at codon 218 of the SLC25A32 protein (p.Pro218Arg).

NM_030780.5(SLC25A32):c.653C>G (p.Pro218Arg)

Gene: SLC25A32 (solute carrier family 25 member 32; minus strand). Cytogenetic location: 8q22.3.
Variant type: single nucleotide variant.
Coding change: c.653C>G on transcript NM_030780.5 (MANE Select); coding-DNA position 653, C replaced by G.
Protein change: p.Pro218Arg; replaces proline 218 with arginine.
Molecular consequence: missense variant. On other transcripts: non-coding transcript variant (2).
Genome position (GRCh38, 1-based): chr8:103,401,954, G>C on the plus strand (C>G on the coding strand, the complement: SLC25A32 is on the minus strand). VCF-style: chr8-103401954-G-C. GRCh37 (hg19) VCF-style: chr8-104414182-G-C.
Other names: short protein forms P218R.
Identifiers: ClinVar variation 2800932 (VCV002800932.3), dbSNP rs753070252, ClinGen allele CA4835420.